The following is an entry in ClinVar:

ClinVar aggregate classification (germline): Uncertain significance (1 of 4 stars; one submission).

Submission:

GeneDx
Classification: Uncertain significance. Last evaluated: 2022-11-07. Review status: criteria provided, single submitter. Criteria: GeneDx Variant Classification Process June 2021. Collection method: clinical testing. Allele origin: germline. Affected: yes.
Comment: Not observed at significant frequency in large population cohorts (gnomAD); In silico analysis supports that this missense variant does not alter protein structure/function; Has not been previously published as pathogenic or benign to our knowledge

NM_015338.6(ASXL1):c.3839T>A (p.Ile1280Asn)

Gene: ASXL1 (ASXL transcriptional regulator 1; plus strand). Cytogenetic location: 20q11.21.
Variant type: single nucleotide variant.
Coding change: c.3839T>A on transcript NM_015338.6 (MANE Select); coding-DNA position 3839, T replaced by A.
Protein change: p.Ile1280Asn; replaces isoleucine 1280 with asparagine.
Molecular consequence: missense variant.
Genome position (GRCh38, 1-based): chr20:32,436,551, T>A. VCF-style: chr20-32436551-T-A. GRCh37 (hg19) VCF-style: chr20-31024354-T-A.
Other names: c.3656T>A, p.Ile1219Asn (NM_001363734.1); short protein forms I1219N, I1280N.
Identifiers: ClinVar variation 2501384 (VCV002501384.1), dbSNP rs1327515633, ClinGen allele CA408563903.
Genomic context (GRCh38, chr20:32,436,551, plus strand): 5'-GAAAGAGCCCAGGAGATCTTACTACCTCGAGAACACCTCGTTTCTCATCTCCAAATGTGA[T>A]CTCCTTTGGTCCAGAGCAGACAGGTCGGGCCCTGGGTGATCAGAGCAATGTTACAGGCCA-3'
Protein context (NP_056153.2, residues 1270-1290): RTPRFSSPNV[Ile1280Asn]SFGPEQTGRA